The following is an entry in ClinVar:

NM_004100.5(EYA4):c.1271A>G (p.Asn424Ser)

Genes: EYA4 (EYA transcriptional coactivator and phosphatase 4; plus strand), TARID (TCF21 antisense RNA inducing promoter demethylation; minus strand), LOC126859796 (MED14-independent group 3 enhancer GRCh37_chr6:133826289-133827488; plus strand). Cytogenetic location: 6q23.2.
Variant type: single nucleotide variant.
Coding change: c.1271A>G on transcript NM_004100.5 (MANE Select); coding-DNA position 1271, A replaced by G.
Protein change: p.Asn424Ser; replaces asparagine 424 with serine.
Molecular consequence: missense variant. On other transcripts: non-coding transcript variant (1).
Genome position (GRCh38, 1-based): chr6:133,506,185, A>G. VCF-style: chr6-133506185-A-G. GRCh37 (hg19) VCF-style: chr6-133827323-A-G.
Other names: c.1109A>G, p.Asn370Ser (NM_001301012.2); c.1289A>G, p.Asn430Ser (NM_001301013.2); c.1202A>G, p.Asn401Ser (NM_001370458.1, NM_172103.4); c.1127A>G, p.Asn376Ser (NM_001370459.1); c.1271A>G, p.Asn424Ser (NM_172105.4); short protein forms N401S, N376S, N370S, N424S, N430S.
Identifiers: ClinVar variation 2986833 (VCV002986833.3), dbSNP rs1562498260, ClinGen allele CA365713727.

ClinVar aggregate classification (germline): Uncertain significance (1 of 4 stars; one submission).

Conditions:
Dilated cardiomyopathy 1J (CMD1J). Also called: CARDIOMYOPATHY, DILATED, WITH SENSORINEURAL HEARING LOSS, AUTOSOMAL DOMINANT. Identifiers: Orphanet 217622, MedGen C1854368, MONDO:0011541, OMIM 605362.

Submission:

Labcorp Genetics (formerly Invitae), Labcorp
Classification: Uncertain significance for Dilated cardiomyopathy 1J. Last evaluated: 2023-12-21. Review status: criteria provided, single submitter. Criteria: Invitae Variant Classification Sherloc (09022015). Collection method: clinical testing. Allele origin: germline.
Comment: This sequence change replaces asparagine, which is neutral and polar, with serine, which is neutral and polar, at codon 424 of the EYA4 protein (p.Asn424Ser). This variant is not present in population databases (gnomAD no frequency). This variant has not been reported in the literature in individuals affected with EYA4-related conditions. Advanced modeling of protein sequence and biophysical properties (such as structural, functional, and spatial information, amino acid conservation, physicochemical variation, residue mobility, and thermodynamic stability) performed at Invitae indicates that this missense variant is expected to disrupt EYA4 protein function with a positive predictive value of 80%. In summary, the available evidence is currently insufficient to determine the role of this variant in disease. Therefore, it has been classified as a Variant of Uncertain Significance.